The following is an entry in ClinVar:

NM_000632.4(ITGAM):c.2009T>A (p.Ile670Asn)

Gene: ITGAM (integrin subunit alpha M; plus strand). Cytogenetic location: 16p11.2.
Variant type: single nucleotide variant.
Coding change: c.2009T>A on transcript NM_000632.4 (MANE Select); coding-DNA position 2009, T replaced by A.
Protein change: p.Ile670Asn; replaces isoleucine 670 with asparagine.
Molecular consequence: missense variant.
Genome position (GRCh38, 1-based): chr16:31,324,405, T>A. VCF-style: chr16-31324405-T-A. GRCh37 (hg19) VCF-style: chr16-31335726-T-A.
Other names: c.2012T>A, p.Ile671Asn (NM_001145808.2); short protein forms I671N, I670N.
Identifiers: ClinVar variation 2971177 (VCV002971177.3), dbSNP rs1208620644, ClinGen allele CA395684632.

ClinVar aggregate classification (germline): Uncertain significance (1 of 4 stars; one submission).

gnomAD v4.1: 5 of 1,551,794 alleles (0.00032%); highest among the groups gnomAD compares: Admixed American, 0.0059%; no homozygotes.

Submission:

Labcorp Genetics (formerly Invitae), Labcorp
Classification: Uncertain significance. Last evaluated: 2023-06-15. Review status: criteria provided, single submitter. Criteria: Invitae Variant Classification Sherloc (09022015). Collection method: clinical testing. Allele origin: germline.
Comment: In summary, the available evidence is currently insufficient to determine the role of this variant in disease. Therefore, it has been classified as a Variant of Uncertain Significance. Algorithms developed to predict the effect of sequence changes on RNA splicing suggest that this variant may disrupt the consensus splice site. An algorithm developed to predict the effect of missense changes on protein structure and function (PolyPhen-2) suggests that this variant is likely to be disruptive. This variant has not been reported in the literature in individuals affected with ITGAM-related conditions. This variant is present in population databases (no rsID available, gnomAD no frequency). This sequence change replaces isoleucine, which is neutral and non-polar, with asparagine, which is neutral and polar, at codon 670 of the ITGAM protein (p.Ile670Asn).